The following is an entry in ClinVar:

NM_014319.5(LEMD3):c.907G>T (p.Gly303Cys)

Gene: LEMD3 (LEM domain containing 3; plus strand). Cytogenetic location: 12q14.3.
Variant type: single nucleotide variant.
Coding change: c.907G>T on transcript NM_014319.5 (MANE Select); coding-DNA position 907, G replaced by T.
Protein change: p.Gly303Cys; replaces glycine 303 with cysteine.
Molecular consequence: missense variant.
Genome position (GRCh38, 1-based): chr12:65,170,503, G>T. VCF-style: chr12-65170503-G-T. GRCh37 (hg19) VCF-style: chr12-65564283-G-T.
Other names: c.907G>T, p.Gly303Cys (NM_001167614.2); short protein forms G303C.
Identifiers: ClinVar variation 287374 (VCV000287374.20), dbSNP rs35221558, ClinGen allele CA6670797.
Genomic context (GRCh38, chr12:65,170,503, plus strand): 5'-CGGCATCGGCCCAGACGAACCCATAGTAAGCCTCTCCCCCCGCTGACTGCTAAATCGGCC[G>T]GCGGCAGGCTGGAGACTTCAGTTCAGGGAGGGGGAGGACTCGCGATGAATGACAGGGCGG-3'
Protein context (NP_055134.2, residues 293-313): PLPPLTAKSA[Gly303Cys]GRLETSVQGG

ClinVar aggregate classification (germline): Likely benign. Review status: criteria provided, multiple submitters, no conflicts (2 of 4 stars). 6 submissions from 6 submitters: Likely benign (6). Last evaluated 2026-01-06.

Conditions:
Dermatofibrosis lenticularis disseminata (BOS). Also called: DERMATOFIBROSIS LENTICULARIS DISSEMINATA WITH OSTEOPOIKILOSIS; DERMATOOSTEOPOIKILOSIS; OSTEOPATHIA CONDENSANS DISSEMINATA. Identifiers: Orphanet 1306, MedGen C0265514, MONDO:0008157, OMIM 166700.

Allele frequency attached by ClinVar (database versions not stated): gnomAD 0.00083 and 0.00085; gnomAD exomes 0.00096 and 0.00040; TOPMed 0.00099; 1000 Genomes Project 30x 0.00062; ESP Exome Variant Server 0.00062; ExAC 0.00073; 1000 Genomes Project 0.00080.
gnomAD v4.1: 743 of 1,614,150 alleles (0.046%); highest among the groups gnomAD compares: Middle Eastern, 0.49%; 2 homozygotes.

Submissions (6):

Labcorp Genetics (formerly Invitae), Labcorp
Classification: Likely benign. Last evaluated: 2026-01-06. Review status: criteria provided, single submitter. Criteria: Invitae Variant Classification Sherloc (09022015). Collection method: clinical testing. Allele origin: germline.

Genomic Medicine Center of Excellence, King Faisal Specialist Hospital and Research Centre
Classification: Likely benign. Last evaluated: 2025-08-18. Review status: criteria provided, single submitter. Criteria: ACMG Guidelines, 2015. Collection method: clinical testing. Allele origin: germline.

Blueprint Genetics
Classification: Likely benign. Last evaluated: 2024-11-04. Review status: criteria provided, single submitter. Criteria: ACMG Guidelines, 2015. Collection method: clinical testing. Allele origin: germline.

Illumina Laboratory Services, Illumina
Classification: Likely benign for Dermatofibrosis lenticularis disseminata. Last evaluated: 2018-01-13. Review status: criteria provided, single submitter. Criteria: ICSL Variant Classification Criteria 13 December 2019. Collection method: clinical testing. Allele origin: germline.
Comment: This variant was observed in the ICSL laboratory as part of a predisposition screen in an ostensibly healthy population. It had not been previously curated by ICSL or reported in the Human Gene Mutation Database (HGMD: prior to June 1st, 2018), and was therefore a candidate for classification through an automated scoring system. Utilizing variant allele frequency, disease prevalence and penetrance estimates, and inheritance mode, an automated score was calculated to assess if this variant is too frequent to cause the disease. Based on the score and internal cut-off values, a variant classified as likely benign is not then subjected to further curation. The score for this variant resulted in a classification of likely benign for this disease.

Eurofins Ntd Llc (ga)
Classification: Likely benign. Last evaluated: 2017-09-08. Review status: criteria provided, single submitter. Criteria: EGL Classification Definitions 2015. Collection method: clinical testing. Allele origin: germline. Observed: 2 variant alleles, 2 heterozygotes.

Breakthrough Genomics
Classification: Likely benign. Review status: criteria provided, single submitter. Criteria: ACMG Guidelines, 2015. Collection method: not provided. Allele origin: germline. Inheritance: Autosomal dominant inheritance. Affected: yes.